The following is an entry in ClinVar:

NM_000342.4(SLC4A1):c.1090T>G (p.Leu364Val)

Gene: SLC4A1 (solute carrier family 4 member 1 (Diego blood group); minus strand). Cytogenetic location: 17q21.31.
Variant type: single nucleotide variant.
Coding change: c.1090T>G on transcript NM_000342.4 (MANE Select); coding-DNA position 1090, T replaced by G.
Protein change: p.Leu364Val; replaces leucine 364 with valine.
Molecular consequence: missense variant.
Genome position (GRCh38, 1-based): chr17:44,258,178, A>C on the plus strand (T>G on the coding strand, the complement: SLC4A1 is on the minus strand). VCF-style: chr17-44258178-A-C. GRCh37 (hg19) VCF-style: chr17-42335546-A-C.
Other names: short protein forms L364V.
Identifiers: ClinVar variation 2436035 (VCV002436035.4), dbSNP rs144927348, ClinGen allele CA8600377.
Genomic context (GRCh38, chr17:44,258,178, plus strand): 5'-GCACCAGGCCCCCGAAGAGCTGGCCTGTCTGCTGCAGAGGGTCATCTGGGCCCCCATTTA[A>C]GTCTGTGGTGGAGGATAAGAGCATGGTCAGAGGGAGTAGCTGGAGGAGGTGAGGGGAAAG-3'
Protein context (NP_000333.1, residues 354-374): PDSSFYKGLD[Leu364Val]NGGPDDPLQQ

ClinVar aggregate classification (germline): Uncertain significance. Review status: criteria provided, multiple submitters, no conflicts (2 of 4 stars). 2 submissions from 2 submitters: Uncertain significance (2). Last evaluated 2025-03-12.

Allele frequency attached by ClinVar (database versions not stated): gnomAD exomes 0.00002; ExAC 0.00009; TOPMed 0.00011; gnomAD 0.00012; ESP Exome Variant Server 0.00031.
gnomAD v4.1: 47 of 1,613,784 alleles (0.0029%); highest among the groups gnomAD compares: African/African-American, 0.059%; 1 homozygote.

Submissions (2):

Labcorp Genetics (formerly Invitae), Labcorp
Classification: Uncertain significance. Last evaluated: 2025-03-12. Review status: criteria provided, single submitter. Criteria: Invitae Variant Classification Sherloc (09022015). Collection method: clinical testing. Allele origin: germline.
Comment: This sequence change replaces leucine, which is neutral and non-polar, with valine, which is neutral and non-polar, at codon 364 of the SLC4A1 protein (p.Leu364Val). This variant is present in population databases (rs144927348, gnomAD 0.07%). This variant has not been reported in the literature in individuals affected with SLC4A1-related conditions. ClinVar contains an entry for this variant (Variation ID: 2436035). An algorithm developed to predict the effect of missense changes on protein structure and function outputs the following: PolyPhen-2: "Benign". The valine amino acid residue is found in multiple mammalian species, which suggests that this missense change does not adversely affect protein function. In summary, the available evidence is currently insufficient to determine the role of this variant in disease. Therefore, it has been classified as a Variant of Uncertain Significance.

Revvity Omics, Revvity
Classification: Uncertain significance. Last evaluated: 2022-04-11. Review status: criteria provided, single submitter. Criteria: ACMG Guidelines, 2015. Collection method: clinical testing. Allele origin: germline.